The following is an entry in ClinVar:

NM_000548.5(TSC2):c.2149C>T (p.Leu717=)

Gene: TSC2 (TSC complex subunit 2; plus strand). Cytogenetic location: 16p13.3.
Variant type: single nucleotide variant.
Coding change: c.2149C>T on transcript NM_000548.5 (MANE Select); coding-DNA position 2149, C replaced by T.
Protein change: p.Leu717=; no amino-acid change (leucine 717 retained).
Molecular consequence: synonymous variant. On other transcripts: non-coding transcript variant (5).
Genome position (GRCh38, 1-based): chr16:2,072,292, C>T. VCF-style: chr16-2072292-C-T. GRCh37 (hg19) VCF-style: chr16-2122293-C-T.
Other names: c.2149C>T, p.Leu717= (NM_001077183.3, NM_001114382.3, NM_001363528.2 and 6 more transcripts); c.2038C>T, p.Leu680= (NM_001318827.2, NM_001406670.1, NM_001406678.1); c.2002C>T, p.Leu668= (NM_001318829.2, NM_001406675.1, NM_001406676.1 and 1 more transcripts); c.1549C>T, p.Leu517= (NM_001318831.2, NM_001406680.1, NM_001406682.1 and 6 more transcripts); c.2182C>T, p.Leu728= (NM_001318832.2); c.2239C>T, p.Leu747= (NM_001406667.1, NM_001406668.1); c.2137C>T, p.Leu713= (NM_001406671.1, NM_001406673.1); c.2092C>T, p.Leu698= (NM_001406677.1); and 3 more.
Identifiers: ClinVar variation 2887874 (VCV002887874.5), dbSNP rs745752883, ClinGen allele CA036870.

ClinVar aggregate classification (germline): Benign/Likely benign. Review status: criteria provided, multiple submitters, no conflicts (2 of 4 stars). 3 submissions from 3 submitters: Benign (2); Likely benign (1). Last evaluated 2025-05-19.

Conditions:
Hereditary cancer-predisposing syndrome. Also called: Neoplastic Syndromes, Hereditary; Tumor predisposition; Hereditary neoplastic syndrome; Hereditary Cancer Syndrome. Identifiers: Orphanet 140162, MedGen C0027672, MeSH D009386, MONDO:0015356.
Tuberous sclerosis 2 (TSC2). Identifiers: Orphanet 805, MedGen C1860707, MONDO:0013199, OMIM 613254.

Allele frequency attached by ClinVar (database versions not stated): gnomAD exomes below 0.00001; ExAC 0.00001.

Submissions (3):

Myriad Genetics, Inc.
Classification: Benign for Tuberous sclerosis 2. Last evaluated: 2025-05-19. Review status: criteria provided, single submitter. Criteria: Myriad Autosomal Dominant, Autosomal Recessive and X-Linked Classification Criteria (2023). Collection method: clinical testing. Allele origin: unknown.
Comment: This variant is considered benign. This variant is a silent/synonymous amino acid change and it is not expected to impact splicing.

Ambry Genetics
Classification: Likely benign for Hereditary cancer-predisposing syndrome. Last evaluated: 2025-05-10. Review status: criteria provided, single submitter. Criteria: Ambry Variant Classification Scheme 2023. Collection method: clinical testing. Allele origin: germline.

Labcorp Genetics (formerly Invitae), Labcorp
Classification: Benign for Tuberous sclerosis 2. Last evaluated: 2023-11-15. Review status: criteria provided, single submitter. Criteria: Invitae Variant Classification Sherloc (09022015). Collection method: clinical testing. Allele origin: germline.